The following is an entry in ClinVar:

NM_003002.4(SDHD):c.90delinsGCAA (p.His30delinsGlnGln)

Gene: SDHD (succinate dehydrogenase complex subunit D; plus strand). Cytogenetic location: 11q23.1.
Variant type: Indel.
Coding change: c.90delinsGCAA on transcript NM_003002.4 (MANE Select); coding-DNA position 90, T replaced by GCAA.
Protein change: p.His30delinsGlnGln.
Molecular consequence: inframe indel. On other transcripts: non-coding transcript variant (1), intron variant (1).
Genome position (GRCh38, 1-based): chr11:112,087,894, T replaced by GCAA. VCF-style: chr11-112087894-T-GCAA. GRCh37 (hg19) VCF-style: chr11-111958618-T-GCAA.
Other names: c.90delinsGCAA, p.His30delinsGlnGln (NM_001276503.2, NM_001276506.2); c.52+935delinsGCAA (NM_001276504.2).
Identifiers: ClinVar variation 4843591 (VCV004843591.1).

ClinVar aggregate classification (germline): Uncertain significance (1 of 4 stars; one submission).

Conditions:
Hereditary cancer-predisposing syndrome. Also called: Neoplastic Syndromes, Hereditary; Tumor predisposition; Hereditary Cancer Syndrome; Hereditary neoplastic syndrome. Identifiers: Orphanet 140162, MedGen C0027672, MeSH D009386, MONDO:0015356.

Submission:

Ambry Genetics
Classification: Uncertain significance for Hereditary cancer-predisposing syndrome. Last evaluated: 2026-01-13. Review status: criteria provided, single submitter. Criteria: Ambry Variant Classification Scheme 2023. Collection method: clinical testing. Allele origin: germline.
Comment: The c.90delTinsGCAA variant (also known as p.H30delinsQQ), located in coding exon 2 of the SDHD gene, results from an in-frame deletion of T and insertion of GCAA at nucleotide positions 90 to 90. This results in the substitution of the histidine residue for a glutamine residue at codon 30, an amino acid with highly similar properties. This amino acid region is not well conserved in available vertebrate species. In addition, this variant is predicted to be neutral by in silico analysis (Choi Y et al. PLoS ONE. 2012; 7(10):e46688). Based on the available evidence, the clinical significance of this variant remains unclear.